The following is an entry in ClinVar:

NM_024675.4(PALB2):c.1805A>C (p.Gln602Pro)

Gene: PALB2 (partner and localizer of BRCA2; minus strand). Cytogenetic location: 16p12.2.
Variant type: single nucleotide variant.
Coding change: c.1805A>C on transcript NM_024675.4 (MANE Select); coding-DNA position 1805, A replaced by C.
Protein change: p.Gln602Pro; replaces glutamine 602 with proline.
Molecular consequence: missense variant.
Genome position (GRCh38, 1-based): chr16:23,630,349, T>G on the plus strand (A>C on the coding strand, the complement: PALB2 is on the minus strand). VCF-style: chr16-23630349-T-G. GRCh37 (hg19) VCF-style: chr16-23641670-T-G.
Other names: short protein forms Q602P.
Identifiers: ClinVar variation 578012 (VCV000578012.9), dbSNP rs864622768, ClinGen allele CA395128026.

ClinVar aggregate classification (germline): Uncertain significance (1 of 4 stars; one submission).

Conditions:
Familial cancer of breast. Also called: hereditary breast carcinoma; BREAST CANCER, FAMILIAL; Hereditary breast cancer. Identifiers: Orphanet 227535, MedGen C0346153, MONDO:0016419, OMIM 114480. Disease mechanism: loss of function.

Submission:

Labcorp Genetics (formerly Invitae), Labcorp
Classification: Uncertain significance for Familial cancer of breast. Last evaluated: 2018-06-22. Review status: criteria provided, single submitter. Criteria: Invitae Variant Classification Sherloc (09022015). Collection method: clinical testing. Allele origin: germline.
Comment: This sequence change replaces glutamine with proline at codon 602 of the PALB2 protein (p.Gln602Pro). The glutamine residue is weakly conserved and there is a moderate physicochemical difference between glutamine and proline. This variant is not present in population databases (ExAC no frequency). This variant has not been reported in the literature in individuals with PALB2-related disease. Algorithms developed to predict the effect of missense changes on protein structure and function output the following: SIFT: "Tolerated"; PolyPhen-2: "Benign"; Align-GVGD: "Class C0". The proline amino acid residue is found in multiple mammalian species, suggesting that this missense change does not adversely affect protein function. These predictions have not been confirmed by published functional studies and their clinical significance is uncertain. In summary, the available evidence is currently insufficient to determine the role of this variant in disease. Therefore, it has been classified as a Variant of Uncertain Significance.